The following is an entry in ClinVar:

ClinVar aggregate classification (germline): Uncertain significance (1 of 4 stars; one submission).

Conditions:
Primary ciliary dyskinesia. Also called: Ciliary dyskinesia. Identifiers: Orphanet 244, MedGen C0008780, MONDO:0016575, HP:0012265.

gnomAD v4.1: 6 of 1,614,096 alleles (0.00037%); highest among the groups gnomAD compares: African/African-American, 0.008%; no homozygotes.

Submission:

Ambry Genetics
Classification: Uncertain significance for Primary ciliary dyskinesia. Last evaluated: 2026-03-09. Review status: criteria provided, single submitter. Criteria: Ambry Variant Classification Scheme 2023. Collection method: clinical testing. Allele origin: germline.
Comment: The p.R234P variant (also known as c.701G>C), located in coding exon 6 of the CCDC114 gene, results from a G to C substitution at nucleotide position 701. The arginine at codon 234 is replaced by proline, an amino acid with dissimilar properties. This amino acid position is conserved. In addition, the in silico prediction for this alteration is inconclusive. Based on the available evidence, the clinical significance of this variant remains unclear.

NM_001364171.2(ODAD1):c.812G>C (p.Arg271Pro)

Gene: ODAD1 (outer dynein arm docking complex subunit 1; minus strand). Cytogenetic location: 19q13.33.
Variant type: single nucleotide variant.
Coding change: c.812G>C on transcript NM_001364171.2 (MANE Select); coding-DNA position 812, G replaced by C.
Protein change: p.Arg271Pro; replaces arginine 271 with proline.
Molecular consequence: missense variant.
Genome position (GRCh38, 1-based): chr19:48,303,994, C>G on the plus strand (G>C on the coding strand, the complement: ODAD1 is on the minus strand). VCF-style: chr19-48303994-C-G. GRCh37 (hg19) VCF-style: chr19-48807251-C-G.
Other names: c.701G>C, p.Arg234Pro (NM_144577.4); short protein forms R234P, R271P.
Identifiers: ClinVar variation 4826204 (VCV004826204.1).
Genomic context (GRCh38, chr19:48,303,994, plus strand): 5'-GCAGCAGCCCCAGCCTCACCCTGCTTTTCACGCTTCTCCAGGACATCGGGATCCGGCTGC[C>G]GGTCGTTGTTCTTGAGCTTGAGGAAGTGGTGCAGCTGCTCCAGGTGCAAGATCTGCCGCT-3'
Protein context (NP_001351100.1, residues 261-281): HHFLKLKNND[Arg271Pro]QPDPDVLEKR